The following is an entry in ClinVar:

ClinVar aggregate classification (germline): Uncertain significance. Review status: criteria provided, multiple submitters, no conflicts (2 of 4 stars). 2 submissions from 2 submitters: Uncertain significance (2). Last evaluated 2025-09-03.

Conditions:
Dilated cardiomyopathy 1KK (CMD1KK). Identifiers: Orphanet 154, Orphanet 75249, MedGen C3714995, MONDO:0014100, OMIM 615248.

gnomAD v4.1: 8 of 1,613,892 alleles (0.0005%); highest among the groups gnomAD compares: African/African-American, 0.0067%; no homozygotes.

Submissions (2):

Labcorp Genetics (formerly Invitae), Labcorp
Classification: Uncertain significance for Dilated cardiomyopathy 1KK. Last evaluated: 2025-09-03. Review status: criteria provided, single submitter. Criteria: Invitae Variant Classification Sherloc (09022015). Collection method: clinical testing. Allele origin: germline.
Comment: This sequence change replaces valine, which is neutral and non-polar, with alanine, which is neutral and non-polar, at codon 1315 of the MYPN protein (p.Val1315Ala). This variant is present in population databases (rs766094428, gnomAD 0.01%). This variant has not been reported in the literature in individuals affected with MYPN-related conditions. ClinVar contains an entry for this variant (Variation ID: 3765892). An algorithm developed to predict the effect of missense changes on protein structure and function (PolyPhen-2) suggests that this variant is likely to be disruptive. In summary, the available evidence is currently insufficient to determine the role of this variant in disease. Therefore, it has been classified as a Variant of Uncertain Significance.

GeneDx
Classification: Uncertain significance. Last evaluated: 2024-08-27. Review status: criteria provided, single submitter. Criteria: GeneDx Variant Classification Process June 2021. Collection method: clinical testing. Allele origin: germline. Affected: yes.
Comment: Has not been previously published as pathogenic or benign to our knowledge; In silico analysis indicates that this missense variant does not alter protein structure/function

NM_032578.4(MYPN):c.3944T>C (p.Val1315Ala)

Gene: MYPN (myopalladin; plus strand). Cytogenetic location: 10q21.3.
Variant type: single nucleotide variant.
Coding change: c.3944T>C on transcript NM_032578.4 (MANE Select); coding-DNA position 3944, T replaced by C.
Protein change: p.Val1315Ala; replaces valine 1315 with alanine.
Molecular consequence: missense variant. On other transcripts: non-coding transcript variant (2).
Genome position (GRCh38, 1-based): chr10:68,210,436, T>C. VCF-style: chr10-68210436-T-C. GRCh37 (hg19) VCF-style: chr10-69970193-T-C.
Other names: c.3944T>C, p.Val1315Ala (NM_001256267.2); c.3062T>C, p.Val1021Ala (NM_001256268.2); short protein forms V1021A, V1315A.
Identifiers: ClinVar variation 3765892 (VCV003765892.2).